The following is an entry in ClinVar:

NM_001291746.2(REL):c.128A>G (p.Asn43Ser)

Gene: REL (REL proto-oncogene, NF-kB subunit; plus strand). Cytogenetic location: 2p16.1.
Variant type: single nucleotide variant.
Coding change: c.128A>G on transcript NM_001291746.2 (MANE Select); coding-DNA position 128, A replaced by G.
Protein change: p.Asn43Ser; replaces asparagine 43 with serine.
Molecular consequence: missense variant.
Genome position (GRCh38, 1-based): chr2:60,891,800, A>G. VCF-style: chr2-60891800-A-G. GRCh37 (hg19) VCF-style: chr2-61118935-A-G.
Other names: c.128A>G, p.Asn43Ser (NM_002908.4); short protein forms N43S.
Identifiers: ClinVar variation 2101695 (VCV002101695.4), dbSNP rs2466180897, ClinGen allele CA347041532.
Genomic context (GRCh38, chr2:60,891,800, plus strand): 5'-TTAGATACAAATGTGAAGGGCGATCAGCAGGCAGCATTCCAGGGGAGCACAGCACAGACA[A>G]CAACCGAACATACCCTTCTATCCAGGTAATAGACCCTTCTTCTGTGTCTATCTCACTATT-3'
Protein context (NP_001278675.1, residues 33-53): GSIPGEHSTD[Asn43Ser]NRTYPSIQIM

ClinVar aggregate classification (germline): Uncertain significance (1 of 4 stars; one submission).

Allele frequency attached by ClinVar (database versions not stated): gnomAD exomes below 0.00001.
gnomAD v4.1: 4 of 1,613,804 alleles (0.00025%); highest among the groups gnomAD compares: Non-Finnish European, 0.00017%; no homozygotes.

Submission:

Labcorp Genetics (formerly Invitae), Labcorp
Classification: Uncertain significance. Last evaluated: 2022-09-26. Review status: criteria provided, single submitter. Criteria: Invitae Variant Classification Sherloc (09022015). Collection method: clinical testing. Allele origin: germline.
Comment: This variant has not been reported in the literature in individuals affected with REL-related conditions. This variant is not present in population databases (gnomAD no frequency). This sequence change replaces asparagine, which is neutral and polar, with serine, which is neutral and polar, at codon 43 of the REL protein (p.Asn43Ser). In summary, the available evidence is currently insufficient to determine the role of this variant in disease. Therefore, it has been classified as a Variant of Uncertain Significance. Algorithms developed to predict the effect of missense changes on protein structure and function output the following: SIFT: "Tolerated"; PolyPhen-2: "Benign"; Align-GVGD: "Class C0". The serine amino acid residue is found in multiple mammalian species, which suggests that this missense change does not adversely affect protein function.